The following is an entry in ClinVar:

ClinVar aggregate classification (germline): Uncertain significance (1 of 4 stars; one submission).

Submission:

GeneDx
Classification: Uncertain significance. Last evaluated: 2022-03-26. Review status: criteria provided, single submitter. Criteria: GeneDx Variant Classification Process June 2021. Collection method: clinical testing. Allele origin: germline.
Comment: Not observed at significant frequency in large population cohorts (gnomAD); In silico analysis supports that this missense variant has a deleterious effect on protein structure/function; Has not been previously published as pathogenic or benign to our knowledge; Variants in candidate genes are classified as variants of uncertain significance in accordance with ACMG guidelines (Richards et al., 2015)

NM_014921.5(ADGRL1):c.2357A>C (p.His786Pro)

Genes: ADGRL1 (adhesion G protein-coupled receptor L1; minus strand), ADGRL1-AS1 (ADGRL1 antisense RNA 1; plus strand). Cytogenetic location: 19p13.12.
Variant type: single nucleotide variant.
Coding change: c.2357A>C on transcript NM_014921.5 (MANE Select); coding-DNA position 2357, A replaced by C.
Protein change: p.His786Pro; replaces histidine 786 with proline.
Molecular consequence: missense variant.
Genome position (GRCh38, 1-based): chr19:14,158,345, T>G on the plus strand (A>C on the coding strand, the complement: ADGRL1 is on the minus strand). VCF-style: chr19-14158345-T-G. GRCh37 (hg19) VCF-style: chr19-14269157-T-G.
Other names: c.2372A>C, p.His791Pro (NM_001008701.3); short protein forms H786P, H791P.
Identifiers: ClinVar variation 4888132 (VCV004888132.1).